The following is an entry in ClinVar:

NM_015215.4(CAMTA1):c.4329T>C (p.Tyr1443=)

Gene: CAMTA1 (calmodulin binding transcription activator 1; plus strand). Cytogenetic location: 1p36.23.
Variant type: single nucleotide variant.
Coding change: c.4329T>C on transcript NM_015215.4 (MANE Select); coding-DNA position 4329, T replaced by C.
Protein change: p.Tyr1443=; no amino-acid change (tyrosine 1443 retained).
Molecular consequence: synonymous variant.
Genome position (GRCh38, 1-based): chr1:7,744,981, T>C. VCF-style: chr1-7744981-T-C. GRCh37 (hg19) VCF-style: chr1-7805041-T-C.
Other names: c.4239T>C, p.Tyr1413= (NM_001349608.2); c.3990T>C, p.Tyr1330= (NM_001349609.2, NM_001349610.2, NM_001410737.1); c.3900T>C, p.Tyr1300= (NM_001349612.2); c.1458T>C, p.Tyr486= (NM_001349613.1); c.1401T>C, p.Tyr467= (NM_001349614.1, NM_001349615.2, NM_001349616.2 and 2 more transcripts); c.1062T>C, p.Tyr354= (NM_001349619.2, NM_001349620.1, NM_001349621.1 and 5 more transcripts); c.3918T>C, p.Tyr1306= (NM_001410738.1).
Identifiers: ClinVar variation 2968066 (VCV002968066.25), dbSNP rs145982731, ClinGen allele CA567122.

ClinVar aggregate classification (germline): Likely benign. Review status: criteria provided, multiple submitters, no conflicts (2 of 4 stars). 2 submissions from 2 submitters: Likely benign (2). Last evaluated 2024-03-01.

Allele frequency attached by ClinVar (database versions not stated): TOPMed below 0.00001; gnomAD 0.00001; gnomAD exomes 0.00001; ExAC 0.00002; ESP Exome Variant Server 0.00008.
gnomAD v4.1: 22 of 1,614,010 alleles (0.0014%); highest among the groups gnomAD compares: South Asian, 0.0066%; no homozygotes.

Submissions (2):

CeGaT Center for Human Genetics Tuebingen
Classification: Likely benign. Last evaluated: 2024-03-01. Review status: criteria provided, single submitter. Criteria: CeGaT Center For Human Genetics Tuebingen Variant Classification Criteria Version 2. Collection method: clinical testing. Allele origin: germline. Affected: yes. Observed: 1 variant allele.
Comment: CAMTA1: BP4, BP7

Labcorp Genetics (formerly Invitae), Labcorp
Classification: Likely benign. Last evaluated: 2023-05-02. Review status: criteria provided, single submitter. Criteria: Invitae Variant Classification Sherloc (09022015). Collection method: clinical testing. Allele origin: germline.